The following is an entry in ClinVar:

ClinVar aggregate classification (germline): Uncertain significance. Review status: criteria provided, multiple submitters, no conflicts (2 of 4 stars). 2 submissions from 2 submitters: Uncertain significance (2). Last evaluated 2024-03-06.

Conditions:
Fabry disease. Also called: Fabry's disease; ALPHA-GALACTOSIDASE A DEFICIENCY; ANDERSON-FABRY DISEASE; CERAMIDE TRIHEXOSIDASE DEFICIENCY; GLA DEFICIENCY; HEREDITARY DYSTOPIC LIPIDOSIS. Identifiers: Orphanet 324, MedGen C0002986, MONDO:0010526, OMIM 301500, HP:0001071. Disease mechanism: Fabry disease is due to inactivating mutations in the X-linked GLA gene resulting in deficiency of the enzyme Alpha Galactosidase-A., loss of function.

Submissions (2):

Color Diagnostics, LLC DBA Color Health
Classification: Uncertain significance for Fabry disease. Last evaluated: 2024-03-06. Review status: criteria provided, single submitter. Criteria: ACMG Guidelines, 2015. Collection method: clinical testing. Allele origin: germline.
Comment: This missense variant replaces leucine with proline at codon 10 of the GLA protein. Computational prediction suggests that this variant may not impact protein structure and function (internally defined REVEL score threshold <= 0.5, PMID: 27666373). To our knowledge, functional studies have not been reported for this variant. This variant has not been reported in individuals affected with cardiovascular disorders in the literature. This variant has not been identified in the general population by the Genome Aggregation Database (gnomAD). The available evidence is insufficient to determine the role of this variant in disease conclusively. Therefore, this variant is classified as a Variant of Uncertain Significance.

Labcorp Genetics (formerly Invitae), Labcorp
Classification: Uncertain significance for Fabry disease. Last evaluated: 2022-08-01. Review status: criteria provided, single submitter. Criteria: Invitae Variant Classification Sherloc (09022015). Collection method: clinical testing. Allele origin: germline.
Comment: Algorithms developed to predict the effect of missense changes on protein structure and function output the following: SIFT: "Deleterious"; PolyPhen-2: "Benign"; Align-GVGD: "Class C0". The proline amino acid residue is found in multiple mammalian species, which suggests that this missense change does not adversely affect protein function. This sequence change replaces leucine, which is neutral and non-polar, with proline, which is neutral and non-polar, at codon 10 of the GLA protein (p.Leu10Pro). This variant is not present in population databases (gnomAD no frequency). This variant has not been reported in the literature in individuals affected with GLA-related conditions. In summary, the available evidence is currently insufficient to determine the role of this variant in disease. Therefore, it has been classified as a Variant of Uncertain Significance.

NM_000169.3(GLA):c.29T>C (p.Leu10Pro)

Genes: GLA (galactosidase alpha; minus strand), RPL36A-HNRNPH2 (RPL36A-HNRNPH2 readthrough; plus strand). Cytogenetic location: Xq22.1.
Variant type: single nucleotide variant.
Coding change: c.29T>C on transcript NM_000169.3 (MANE Select); coding-DNA position 29, T replaced by C.
Protein change: p.Leu10Pro; replaces leucine 10 with proline.
Molecular consequence: missense variant. On other transcripts: non-coding transcript variant (3), intron variant (2).
Genome position (GRCh38, 1-based): chrX:101,407,875, A>G on the plus strand (T>C on the coding strand, the complement: GLA is on the minus strand). VCF-style: chrX-101407875-A-G. GRCh37 (hg19) VCF-style: chrX-100662863-A-G.
Other names: c.29T>C, p.Leu10Pro (NM_001406747.1, NM_001406748.1, NM_001406749.1); c.301-4061A>G (NM_001199973.2); c.178-4061A>G (NM_001199974.2); short protein forms L10P.
Identifiers: ClinVar variation 2090012 (VCV002090012.6), dbSNP rs2520947474, ClinGen allele CA413937826.